The following is an entry in ClinVar:

NM_182493.3(MYLK3):c.1430C>T (p.Pro477Leu)

Gene: MYLK3 (myosin light chain kinase 3; minus strand). Cytogenetic location: 16q11.2.
Variant type: single nucleotide variant.
Coding change: c.1430C>T on transcript NM_182493.3 (MANE Select); coding-DNA position 1430, C replaced by T.
Protein change: p.Pro477Leu; replaces proline 477 with leucine.
Molecular consequence: missense variant.
Genome position (GRCh38, 1-based): chr16:46,732,240, G>A on the plus strand (C>T on the coding strand, the complement: MYLK3 is on the minus strand). VCF-style: chr16-46732240-G-A. GRCh37 (hg19) VCF-style: chr16-46766152-G-A.
Other names: c.407C>T, p.Pro136Leu (NM_001308301.1); short protein forms P136L, P477L.
Identifiers: ClinVar variation 1438258 (VCV001438258.6), dbSNP rs2143015065, ClinGen allele CA395791917.

ClinVar aggregate classification (germline): Uncertain significance (1 of 4 stars; one submission).

Submission:

Labcorp Genetics (formerly Invitae), Labcorp
Classification: Uncertain significance. Last evaluated: 2024-04-05. Review status: criteria provided, single submitter. Criteria: Invitae Variant Classification Sherloc (09022015). Collection method: clinical testing. Allele origin: germline.
Comment: This sequence change replaces proline, which is neutral and non-polar, with leucine, which is neutral and non-polar, at codon 477 of the MYLK3 protein (p.Pro477Leu). This variant is not present in population databases (gnomAD no frequency). This variant has not been reported in the literature in individuals affected with MYLK3-related conditions. ClinVar contains an entry for this variant (Variation ID: 1438258). Algorithms developed to predict the effect of missense changes on protein structure and function output the following: SIFT: "Not Available"; PolyPhen-2: "Benign"; Align-GVGD: "Not Available". The leucine amino acid residue is found in multiple mammalian species, which suggests that this missense change does not adversely affect protein function. In summary, the available evidence is currently insufficient to determine the role of this variant in disease. Therefore, it has been classified as a Variant of Uncertain Significance.